The following is an entry in ClinVar:

NM_006922.4(SCN3A):c.3571A>G (p.Ile1191Val)

Gene: SCN3A (sodium voltage-gated channel alpha subunit 3; minus strand). Cytogenetic location: 2q24.3.
Variant type: single nucleotide variant.
Coding change: c.3571A>G on transcript NM_006922.4 (MANE Select); coding-DNA position 3571, A replaced by G.
Protein change: p.Ile1191Val; replaces isoleucine 1191 with valine.
Molecular consequence: missense variant.
Genome position (GRCh38, 1-based): chr2:165,113,914, T>C on the plus strand (A>G on the coding strand, the complement: SCN3A is on the minus strand). VCF-style: chr2-165113914-T-C. GRCh37 (hg19) VCF-style: chr2-165970424-T-C.
Other names: c.3571A>G (NM_006922.3); c.3424A>G, p.Ile1142Val (NM_001081676.2, NM_001081677.2); short protein forms I1191V, I1142V.
Identifiers: ClinVar variation 2837469 (VCV002837469.4), dbSNP rs1054926484, ClinGen allele CA59725057.
Genomic context (GRCh38, chr2:165,113,914, plus strand): 5'-AAGTCTCAAACCAGTTGTGCTCAACAATACTGTAGCAGGTTTTTCGAAGATTCCACCAGA[T>C]CTTCCCTTTGCCTTCTTCTGTACTTACTTGACAGAATGGAAACTTTTTAATACATCCTAA-3'
Protein context (NP_008853.3, residues 1181-1201): QVSTEEGKGK[Ile1191Val]WWNLRKTCYS

ClinVar aggregate classification (germline): Uncertain significance. Review status: criteria provided, multiple submitters, no conflicts (2 of 4 stars). 2 submissions from 2 submitters: Uncertain significance (2). Last evaluated 2025-11-11.

Conditions:
Inborn genetic diseases. Identifiers: MedGen C0950123, MeSH D030342.

Allele frequency attached by ClinVar (database versions not stated): gnomAD 0.00001; TOPMed 0.00002.
gnomAD v4.1: 2 of 1,613,296 alleles (0.00012%); highest among the groups gnomAD compares: African/African-American, 0.0027%; no homozygotes.

Submissions (2):

Ambry Genetics
Classification: Uncertain significance for Inborn genetic diseases. Last evaluated: 2025-11-11. Review status: criteria provided, single submitter. Criteria: Ambry Variant Classification Scheme 2023. Collection method: clinical testing. Allele origin: germline.

Labcorp Genetics (formerly Invitae), Labcorp
Classification: Uncertain significance. Last evaluated: 2023-02-14. Review status: criteria provided, single submitter. Criteria: Invitae Variant Classification Sherloc (09022015). Collection method: clinical testing. Allele origin: germline.
Comment: This sequence change replaces isoleucine, which is neutral and non-polar, with valine, which is neutral and non-polar, at codon 1191 of the SCN3A protein (p.Ile1191Val). This variant is not present in population databases (gnomAD no frequency). This variant has not been reported in the literature in individuals affected with SCN3A-related conditions. Advanced modeling of protein sequence and biophysical properties (such as structural, functional, and spatial information, amino acid conservation, physicochemical variation, residue mobility, and thermodynamic stability) performed at Invitae indicates that this missense variant is not expected to disrupt SCN3A protein function. In summary, the available evidence is currently insufficient to determine the role of this variant in disease. Therefore, it has been classified as a Variant of Uncertain Significance.